The following is an entry in ClinVar:

ClinVar aggregate classification (germline): Uncertain significance. Review status: criteria provided, multiple submitters, no conflicts (2 of 4 stars). 2 submissions from 2 submitters: Uncertain significance (2). Last evaluated 2026-01-20.

Allele frequency attached by ClinVar (database versions not stated): ExAC 0.00002; gnomAD exomes 0.00004; gnomAD 0.00005; TOPMed 0.00005.
gnomAD v4.1: 67 of 1,578,410 alleles (0.0042%); highest among the groups gnomAD compares: Admixed American, 0.013%; no homozygotes.

Submissions (2):

Labcorp Genetics (formerly Invitae), Labcorp
Classification: Uncertain significance. Last evaluated: 2026-01-20. Review status: criteria provided, single submitter. Criteria: Invitae Variant Classification Sherloc (09022015). Collection method: clinical testing. Allele origin: germline.
Comment: This sequence change replaces lysine, which is basic and polar, with asparagine, which is neutral and polar, at codon 374 of the BACH2 protein (p.Lys374Asn). This variant is present in population databases (rs759765145, gnomAD 0.01%). This variant has not been reported in the literature in individuals affected with BACH2-related conditions. ClinVar contains an entry for this variant (Variation ID: 1438939). Invitae Evidence Modeling of protein sequence and biophysical properties (such as structural, functional, and spatial information, amino acid conservation, physicochemical variation, residue mobility, and thermodynamic stability) indicates that this missense variant is not expected to disrupt BACH2 protein function with a negative predictive value of 80%. In summary, the available evidence is currently insufficient to determine the role of this variant in disease. Therefore, it has been classified as a Variant of Uncertain Significance.

Ambry Genetics
Classification: Uncertain significance. Last evaluated: 2024-08-04. Review status: criteria provided, single submitter. Criteria: Ambry Variant Classification Scheme 2023. Collection method: clinical testing. Allele origin: germline.

NM_021813.4(BACH2):c.1122G>C (p.Lys374Asn)

Gene: BACH2 (BACH transcriptional regulator 2; minus strand). Cytogenetic location: 6q15.
Variant type: single nucleotide variant.
Coding change: c.1122G>C on transcript NM_021813.4 (MANE Select); coding-DNA position 1122, G replaced by C.
Protein change: p.Lys374Asn; replaces lysine 374 with asparagine.
Molecular consequence: missense variant.
Genome position (GRCh38, 1-based): chr6:89,950,984, C>G on the plus strand (G>C on the coding strand, the complement: BACH2 is on the minus strand). VCF-style: chr6-89950984-C-G. GRCh37 (hg19) VCF-style: chr6-90660703-C-G.
Other names: c.1122G>C, p.Lys374Asn (NM_001170794.2); c.1122G>C (NM_021813.2); short protein forms K374N.
Identifiers: ClinVar variation 1438939 (VCV001438939.7), dbSNP rs759765145, ClinGen allele CA3928049.
Genomic context (GRCh38, chr6:89,950,984, plus strand): 5'-CTGTCCATAATTCCCTGTGAAAGGGGTGTAGTCAGTTTTAAGGTCACCCTGAGTGATCCC[C>G]TTGTCAAAAGGGCAGGCTGGACTCCTGGCAAAGTGCTGCTGAGATGTACTGGGCAGGCCA-3'
Protein context (NP_068585.1, residues 364-384): FARSPACPFD[Lys374Asn]GITQGDLKTD